The following is an entry in ClinVar:

NC_000017.10:g.(44159909_44171925)_(44270149_?)dup

Gene: KANSL1 (KAT8 regulatory NSL complex subunit 1). Cytogenetic location: 17q21.31.
Variant type: Duplication.
Identifiers: ClinVar variation 3768080 (VCV003768080.1).

ClinVar aggregate classification (germline): Benign (1 of 4 stars; one submission).

Submission:

Women's Health and Genetics/Laboratory Corporation of America, LabCorp
Classification: Benign. Last evaluated: 2024-12-12. Review status: criteria provided, single submitter. Criteria: LabCorp Variant Classification Summary - May 2015. Collection method: clinical testing. Allele origin: germline.
Comment: Variant summary: The variant involves the duplication of exons 1-3 in the KANSL1 gene. A presumed nomenclature of c.(?_-454)_(1431+1_1432-1)dup has been designated for the purposes of this classification. The variant allele was found at a frequency of 0.058 in 22458 control chromosomes. The observed variant frequency exceeds the estimated maximal expected allele frequency for a pathogenic variant in KANSL1 causing Koolen-De Vries Syndrome phenotype. This variant is within a highly polymorphic region in which duplications including the first three exons of KANSL1 (referenced in the literature as CNP205 or 2 polymorphism duplication) are significantly enriched in European/Mediterranean populations (e.g., Boettger_2014, Koolen_2016). The following publications have been ascertained in the context of this evaluation (PMID: 26306646, 22751096). ClinVar contains an entry for this variant (Variation ID: 147218). Based on the evidence outlined above, the variant was classified as benign.

Literature cited by the submitters: PubMed 22751096; PubMed 26306646.